The following is an entry in ClinVar:

ClinVar aggregate classification (germline): Uncertain significance (1 of 4 stars; one submission).

Submission:

Dasa
Classification: Uncertain significance. Last evaluated: 2026-07-25. Review status: criteria provided, single submitter. Criteria: DASA Assertion Criteria. Collection method: clinical testing. Allele origin: germline.
Comment: NM_004333.6(BRAF):c.1223G>A (p.Gly408Asp) is a missense variant that results in the substitution of glycine with aspartic acid. This variant is absent from population databases. The currently available literature and clinical evidence are not sufficient to establish a definitive association between this variant and the reported condition. Therefore, this variant is classified as a variant of uncertain significance.

NM_004333.6(BRAF):c.1223G>A (p.Gly408Asp)

Gene: BRAF (B-Raf proto-oncogene, serine/threonine kinase; minus strand). Cytogenetic location: 7q34.
Variant type: single nucleotide variant.
Coding change: c.1223G>A on transcript NM_004333.6 (MANE Select); coding-DNA position 1223, G replaced by A.
Protein change: p.Gly408Asp; replaces glycine 408 with aspartic acid.
Molecular consequence: missense variant. On other transcripts: intron variant (2).
Genome position (GRCh38, 1-based): chr7:140,783,112, C>T on the plus strand (G>A on the coding strand, the complement: BRAF is on the minus strand). VCF-style: chr7-140783112-C-T. GRCh37 (hg19) VCF-style: chr7-140482912-C-T.
Other names: c.1223G>A, p.Gly408Asp (NM_001354609.2, NM_001378468.1, NM_001378474.1); c.1343G>A, p.Gly448Asp (NM_001374244.1, NM_001374258.1); c.1232G>A, p.Gly411Asp (NM_001378467.1); c.1121G>A, p.Gly374Asp (NM_001378470.1); c.1067G>A, p.Gly356Asp (NM_001378472.1, NM_001378473.1); c.959G>A, p.Gly320Asp (NM_001378475.1); c.1141-29G>A (NM_001378471.1); c.1178-21G>A (NM_001378469.1); short protein forms G320D, G356D, G374D, G408D, G411D, G448D.
Identifiers: ClinVar variation 5020124 (VCV005020124.1).